The following is an entry in ClinVar:

ClinVar aggregate classification (germline): Uncertain significance. Review status: criteria provided, multiple submitters, no conflicts (2 of 4 stars). 2 submissions from 2 submitters: Uncertain significance (2). Last evaluated 2022-08-16.

Allele frequency attached by ClinVar (database versions not stated): gnomAD exomes 0.00002; ExAC 0.00003.
gnomAD v4.1: 6 of 1,614,114 alleles (0.00037%); highest among the groups gnomAD compares: Admixed American, 0.0083%; no homozygotes.

Submissions (2):

Labcorp Genetics (formerly Invitae), Labcorp
Classification: Uncertain significance. Last evaluated: 2022-08-16. Review status: criteria provided, single submitter. Criteria: Invitae Variant Classification Sherloc (09022015). Collection method: clinical testing. Allele origin: germline.
Comment: In summary, the available evidence is currently insufficient to determine the role of this variant in disease. Therefore, it has been classified as a Variant of Uncertain Significance. Algorithms developed to predict the effect of missense changes on protein structure and function output the following: SIFT: "Tolerated"; PolyPhen-2: "Benign"; Align-GVGD: "Class C0". The threonine amino acid residue is found in multiple mammalian species, which suggests that this missense change does not adversely affect protein function. ClinVar contains an entry for this variant (Variation ID: 1433134). This variant has not been reported in the literature in individuals affected with IMPG2-related conditions. This variant is present in population databases (rs752217431, gnomAD 0.01%). This sequence change replaces alanine, which is neutral and non-polar, with threonine, which is neutral and polar, at codon 444 of the IMPG2 protein (p.Ala444Thr).

Blueprint Genetics
Classification: Uncertain significance. Last evaluated: 2017-11-12. Review status: criteria provided, single submitter. Criteria: ACMG Guidelines, 2015. Collection method: clinical testing. Allele origin: germline.

NM_016247.4(IMPG2):c.1330G>A (p.Ala444Thr)

Gene: IMPG2 (interphotoreceptor matrix proteoglycan 2; minus strand). Cytogenetic location: 3q12.3.
Variant type: single nucleotide variant.
Coding change: c.1330G>A on transcript NM_016247.4 (MANE Select); coding-DNA position 1330, G replaced by A.
Protein change: p.Ala444Thr; replaces alanine 444 with threonine.
Molecular consequence: missense variant.
Genome position (GRCh38, 1-based): chr3:101,246,015, C>T on the plus strand (G>A on the coding strand, the complement: IMPG2 is on the minus strand). VCF-style: chr3-101246015-C-T. GRCh37 (hg19) VCF-style: chr3-100964859-C-T.
Other names: short protein forms A444T.
Identifiers: ClinVar variation 1433134 (VCV001433134.6), dbSNP rs752217431, ClinGen allele CA2519191.